The following is an entry in ClinVar:

ClinVar aggregate classification (germline): Conflicting classifications of pathogenicity. Review status: criteria provided, conflicting classifications (1 of 4 stars). 3 submissions from 3 submitters: Uncertain significance (1); Benign (1); Likely benign (1). Last evaluated 2024-08-01.

Conditions:
Congenital vertical talus. Also called: PES VALGUS, CONGENITAL CONVEX; Rocker-bottom foot deformity. Identifiers: Orphanet 178382, MedGen C0240912, MONDO:0008652, OMIM 192950, HP:0001838.

Allele frequency attached by ClinVar (database versions not stated): ExAC 0.00011; gnomAD exomes 0.00014 and 0.00046; 1000 Genomes Project 30x 0.00016; 1000 Genomes Project 0.00020; TOPMed 0.00022; gnomAD 0.00024 and 0.00025; ESP Exome Variant Server 0.00038.
gnomAD v4.1: 699 of 1,613,132 alleles (0.043%); highest among the groups gnomAD compares: Non-Finnish European, 0.056%; 2 homozygotes.

Submissions (3):

Ambry Genetics
Classification: Uncertain significance. Last evaluated: 2024-08-01. Review status: criteria provided, single submitter. Criteria: Ambry Variant Classification Scheme 2023. Collection method: clinical testing. Allele origin: germline.

CeGaT Center for Human Genetics Tuebingen
Classification: Likely benign. Last evaluated: 2024-04-01. Review status: criteria provided, single submitter. Criteria: CeGaT Center For Human Genetics Tuebingen Variant Classification Criteria Version 2. Collection method: clinical testing. Allele origin: germline. Affected: yes. Observed: 2 variant alleles.
Comment: HOXD10: BP4

Illumina Laboratory Services, Illumina
Classification: Benign for Congenital vertical talus. Last evaluated: 2018-01-12. Review status: criteria provided, single submitter. Criteria: ICSL Variant Classification Criteria 13 December 2019. Collection method: clinical testing. Allele origin: germline.
Comment: This variant was observed in the ICSL laboratory as part of a predisposition screen in an ostensibly healthy population. It had not been previously curated by ICSL or reported in the Human Gene Mutation Database (HGMD: prior to June 1st, 2018), and was therefore a candidate for classification through an automated scoring system. Utilizing variant allele frequency, disease prevalence and penetrance estimates, and inheritance mode, an automated score was calculated to assess if this variant is too frequent to cause the disease. Based on the score and internal cut-off values, a variant classified as benign is not then subjected to further curation. The score for this variant resulted in a classification of benign for this disease.

NM_002148.4(HOXD10):c.372T>G (p.Ile124Met)

Gene: HOXD10 (homeobox D10; plus strand). Cytogenetic location: 2q31.1.
Variant type: single nucleotide variant.
Coding change: c.372T>G on transcript NM_002148.4 (MANE Select); coding-DNA position 372, T replaced by G.
Protein change: p.Ile124Met; replaces isoleucine 124 with methionine.
Molecular consequence: missense variant.
Genome position (GRCh38, 1-based): chr2:176,117,205, T>G. VCF-style: chr2-176117205-T-G. GRCh37 (hg19) VCF-style: chr2-176981933-T-G.
Other names: short protein forms I124M.
Identifiers: ClinVar variation 332480 (VCV000332480.32), dbSNP rs149038150, ClinGen allele CA1977278.
Genomic context (GRCh38, chr2:176,117,205, plus strand): 5'-CACCAACATTAAGGAAGAATCCAATTGCTGCATGTATTCTGATAAGCGCAACAAACTCAT[T>G]TCGGCCGAGGTCCCTTCGTACCAGAGGCTGGTCCCTGAGTCTTGTCCCGTTGAGAACCCT-3'
Protein context (NP_002139.2, residues 114-134): CMYSDKRNKL[Ile124Met]SAEVPSYQRL